The following is an entry in ClinVar:

NM_007373.4(SHOC2):c.1035G>T (p.Leu345Phe)

Gene: SHOC2 (SHOC2 leucine rich repeat scaffold protein; plus strand). Cytogenetic location: 10q25.2.
Variant type: single nucleotide variant.
Coding change: c.1035G>T on transcript NM_007373.4 (MANE Select); coding-DNA position 1035, G replaced by T.
Protein change: p.Leu345Phe; replaces leucine 345 with phenylalanine.
Molecular consequence: missense variant. On other transcripts: non-coding transcript variant (1).
Genome position (GRCh38, 1-based): chr10:111,004,668, G>T. VCF-style: chr10-111004668-G-T. GRCh37 (hg19) VCF-style: chr10-112764426-G-T.
Other names: c.897G>T, p.Leu299Phe (NM_001269039.3); c.1035G>T, p.Leu345Phe (NM_001324336.2, NM_001324337.2); short protein forms L299F, L345F.
Identifiers: ClinVar variation 1998342 (VCV001998342.4), dbSNP rs2493945521, ClinGen allele CA378522990.

ClinVar aggregate classification (germline): Uncertain significance (1 of 4 stars; one submission).

Conditions:
RASopathy. Also called: rasopathies; Noonan spectrum disorder. Identifiers: Orphanet 536391, MedGen C5555857, MONDO:0021060.

Submission:

Labcorp Genetics (formerly Invitae), Labcorp
Classification: Uncertain significance for RASopathy. Last evaluated: 2022-05-24. Review status: criteria provided, single submitter. Criteria: Invitae Variant Classification Sherloc (09022015). Collection method: clinical testing. Allele origin: germline.
Comment: In summary, the available evidence is currently insufficient to determine the role of this variant in disease. Therefore, it has been classified as a Variant of Uncertain Significance. Algorithms developed to predict the effect of missense changes on protein structure and function (SIFT, PolyPhen-2, Align-GVGD) all suggest that this variant is likely to be tolerated. This variant has not been reported in the literature in individuals affected with SHOC2-related conditions. This variant is not present in population databases (gnomAD no frequency). This sequence change replaces leucine, which is neutral and non-polar, with phenylalanine, which is neutral and non-polar, at codon 345 of the SHOC2 protein (p.Leu345Phe).